The following is an entry in ClinVar:

ClinVar aggregate classification (germline): Benign/Likely benign. Review status: criteria provided, multiple submitters, no conflicts (2 of 4 stars). 4 submissions from 4 submitters: Benign (1); Likely benign (3). Last evaluated 2026-07-01.

Conditions:
Rapadilino syndrome. Identifiers: Orphanet 3021, MedGen C1849453, MONDO:0009955, OMIM 266280.
Baller-Gerold syndrome (BGS). Also called: CRANIOSYNOSTOSIS WITH RADIAL DEFECTS. Identifiers: Orphanet 1225, MedGen C0265308, MONDO:0009039, OMIM 218600.

Allele frequency attached by ClinVar (database versions not stated): TOPMed 0.00004; gnomAD 0.00007; gnomAD exomes 0.00010; ExAC 0.00013.
gnomAD v4.1: 96 of 1,607,148 alleles (0.006%); highest among the groups gnomAD compares: South Asian, 0.057%; 2 homozygotes.

Submissions (4):

CeGaT Center for Human Genetics Tuebingen
Classification: Likely benign. Last evaluated: 2026-07-01. Review status: criteria provided, single submitter. Criteria: CeGaT Center For Human Genetics Tuebingen Variant Classification Criteria Version 2. Collection method: clinical testing. Allele origin: germline. Affected: yes. Observed: 1 variant allele.
Comment: RECQL4: BP4, BP7

Labcorp Genetics (formerly Invitae), Labcorp
Classification: Likely benign for Baller-Gerold syndrome. Last evaluated: 2025-11-02. Review status: criteria provided, single submitter. Criteria: Invitae Variant Classification Sherloc (09022015). Collection method: clinical testing. Allele origin: germline.

KCCC/NGS Laboratory, Kuwait Cancer Control Center
Classification: Benign for Rapadilino syndrome. Last evaluated: 2025-02-01. Review status: criteria provided, single submitter. Criteria: ACMG Guidelines, 2015. Collection method: clinical testing. Allele origin: germline. Affected: no.

Blueprint Genetics
Classification: Likely benign. Last evaluated: 2024-04-26. Review status: criteria provided, single submitter. Criteria: ACMG Guidelines, 2015. Collection method: clinical testing. Allele origin: germline.

NM_004260.4(RECQL4):c.3042C>T (p.His1014=)

Gene: RECQL4 (RecQ like helicase 4; minus strand). Cytogenetic location: 8q24.3.
Variant type: single nucleotide variant.
Coding change: c.3042C>T on transcript NM_004260.4 (MANE Select); coding-DNA position 3042, C replaced by T.
Protein change: p.His1014=; no amino-acid change (histidine 1014 retained).
Molecular consequence: synonymous variant.
Genome position (GRCh38, 1-based): chr8:144,512,405, G>A on the plus strand (C>T on the coding strand, the complement: RECQL4 is on the minus strand). VCF-style: chr8-144512405-G-A. GRCh37 (hg19) VCF-style: chr8-145737788-G-A.
Identifiers: ClinVar variation 414197 (VCV000414197.13), dbSNP rs750400159, ClinGen allele CA4947966.